The following is an entry in ClinVar:

NM_212482.4(FN1):c.4096T>C (p.Phe1366Leu)

Genes: FN1 (fibronectin 1; minus strand), LOC126806497 (BRD4-independent group 4 enhancer GRCh37_chr2:216255920-216257119; plus strand). Cytogenetic location: 2q35.
Variant type: single nucleotide variant.
Coding change: c.4096T>C on transcript NM_212482.4 (MANE Select); coding-DNA position 4096, T replaced by C.
Protein change: p.Phe1366Leu; replaces phenylalanine 1366 with leucine.
Molecular consequence: missense variant.
Genome position (GRCh38, 1-based): chr2:215,391,788, A>G on the plus strand (T>C on the coding strand, the complement: FN1 is on the minus strand). VCF-style: chr2-215391788-A-G. GRCh37 (hg19) VCF-style: chr2-216256511-A-G.
Other names: c.4096T>C, p.Phe1366Leu (NM_001306129.2, NM_001306130.2, NM_001365517.2 and 3 more transcripts); c.3823T>C, p.Phe1275Leu (NM_001306131.2, NM_001306132.2, NM_001365518.2 and 7 more transcripts); short protein forms F1275L, F1366L.
Identifiers: ClinVar variation 2117109 (VCV002117109.4), dbSNP rs781004363, ClinGen allele CA2094517.

ClinVar aggregate classification (germline): Uncertain significance (1 of 4 stars; one submission).

Allele frequency attached by ClinVar (database versions not stated): gnomAD exomes 0.00001; TOPMed 0.00001; ExAC 0.00002.
gnomAD v4.1: 6 of 1,614,174 alleles (0.00037%); highest among the groups gnomAD compares: East Asian, 0.011%; no homozygotes.

Submission:

Labcorp Genetics (formerly Invitae), Labcorp
Classification: Uncertain significance. Last evaluated: 2022-03-26. Review status: criteria provided, single submitter. Criteria: Invitae Variant Classification Sherloc (09022015). Collection method: clinical testing. Allele origin: germline.
Comment: In summary, the available evidence is currently insufficient to determine the role of this variant in disease. Therefore, it has been classified as a Variant of Uncertain Significance. Algorithms developed to predict the effect of missense changes on protein structure and function are either unavailable or do not agree on the potential impact of this missense change (SIFT: "Not Available"; PolyPhen-2: "Probably Damaging"; Align-GVGD: "Not Available"). This variant has not been reported in the literature in individuals affected with FN1-related conditions. This variant is present in population databases (rs781004363, gnomAD 0.02%). This sequence change replaces phenylalanine, which is neutral and non-polar, with leucine, which is neutral and non-polar, at codon 1366 of the FN1 protein (p.Phe1366Leu).